The following is an entry in ClinVar:

NM_001626.6(AKT2):c.515A>G (p.Lys172Arg)

Gene: AKT2 (AKT serine/threonine kinase 2; minus strand). Cytogenetic location: 19q13.2.
Variant type: single nucleotide variant.
Coding change: c.515A>G on transcript NM_001626.6 (MANE Select); coding-DNA position 515, A replaced by G.
Protein change: p.Lys172Arg; replaces lysine 172 with arginine.
Molecular consequence: missense variant.
Genome position (GRCh38, 1-based): chr19:40,241,996, T>C on the plus strand (A>G on the coding strand, the complement: AKT2 is on the minus strand). VCF-style: chr19-40241996-T-C. GRCh37 (hg19) VCF-style: chr19-40747903-T-C.
Other names: c.329A>G, p.Lys110Arg (NM_001243028.3, NM_001243027.3); c.515A>G, p.Lys172Arg (NM_001330511.1); short protein forms K110R, K172R.
Identifiers: ClinVar variation 4819548 (VCV004819548.1).

ClinVar aggregate classification (germline): Benign (1 of 4 stars; one submission).

Conditions:
Hypoinsulinemic hypoglycemia and body hemihypertrophy. Also called: Hypoinsulinemic hypoglycemia and hemihypertrophy. Identifiers: Orphanet 293964, MedGen C3278384, MONDO:0009416, OMIM 240900.

Submission:

Centre for Medical Genetics,  Mumbai
Classification: Benign for Hypoinsulinemic hypoglycemia and body hemihypertrophy. Last evaluated: 2026-03-16. Review status: criteria provided, single submitter. Criteria: ACMG Guidelines, 2015. Collection method: provider interpretation. Allele origin: germline. Inheritance: Autosomal dominant inheritance. Affected: no. Observed: 1 variant allele, 1 heterozygote.
Comment: The variant satisfies PM2 criteria; Extremely low frequency in gnomAD population databases. However, the variant satisfies BS2 criteria.

Literature cited by the submitters: PubMed 21979934.